The following is an entry in ClinVar:

NM_014714.4(IFT140):c.3502G>T (p.Glu1168Ter)

Gene: IFT140 (intraflagellar transport 140; minus strand). Cytogenetic location: 16p13.3.
Variant type: single nucleotide variant.
Coding change: c.3502G>T on transcript NM_014714.4 (MANE Select); coding-DNA position 3502, G replaced by T.
Protein change: p.Glu1168Ter; replaces glutamic acid 1168 with a stop codon.
Molecular consequence: nonsense.
Genome position (GRCh38, 1-based): chr16:1,520,760, C>A on the plus strand (G>T on the coding strand, the complement: IFT140 is on the minus strand). VCF-style: chr16-1520760-C-A. GRCh37 (hg19) VCF-style: chr16-1570761-C-A.
Other names: short protein forms E1168*.
Identifiers: ClinVar variation 2111485 (VCV002111485.4), dbSNP rs780721001, ClinGen allele CA394225019.
Genomic context (GRCh38, chr16:1,520,760, plus strand): 5'-GCGACTCCTCAGGCAGGTCCGAGGAGTCCTTGGCCACGGTCATCTTTTCCGCCATCTCCT[C>A]GGTGATGCTCATGTTCTGCCCCAGGCACAGCTGCAGGGCTTCCTGATACTGCAAAGGTGC-3'

ClinVar aggregate classification (germline): Pathogenic (1 of 4 stars; one submission).

Conditions:
Saldino-Mainzer syndrome (SRTD9). Also called: CONORENAL SYNDROME; Renal dysplasia, retinal pigmentary dystrophy, cerebellar ataxia and skeletal dysplasia; SHORT-RIB THORACIC DYSPLASIA 9 WITHOUT POLYDACTYLY; short-rib thoracic dysplasia 9 with or without polydactyly. Identifiers: Orphanet 140969, MedGen C1849437, MONDO:0009964, OMIM 266920.

Submission:

Labcorp Genetics (formerly Invitae), Labcorp
Classification: Pathogenic for Saldino-Mainzer syndrome. Last evaluated: 2025-04-16. Review status: criteria provided, single submitter. Criteria: Invitae Variant Classification Sherloc (09022015). Collection method: clinical testing. Allele origin: germline.
Comment: This sequence change creates a premature translational stop signal (p.Glu1168*) in the IFT140 gene. It is expected to result in an absent or disrupted protein product. Loss-of-function variants in IFT140 are known to be pathogenic (PMID: 22503633, 23418020, 24009529, 26216056). This variant is not present in population databases (gnomAD no frequency). This variant has not been reported in the literature in individuals affected with IFT140-related conditions. ClinVar contains an entry for this variant (Variation ID: 2111485). For these reasons, this variant has been classified as Pathogenic.

Literature cited by the submitters: PubMed 22503633; PubMed 23418020; PubMed 24009529; PubMed 26216056.